The following is an entry in ClinVar:

ClinVar aggregate classification (germline): Uncertain significance. Review status: criteria provided, multiple submitters, no conflicts (2 of 4 stars). 2 submissions from 2 submitters: Uncertain significance (2). Last evaluated 2024-12-12.

Conditions:
Menke-Hennekam syndrome 1 (MKHK1). Identifiers: MedGen C5193034, MONDO:0020763, OMIM 618332.
Rubinstein-Taybi syndrome (RSTS). Identifiers: Orphanet 783, MedGen C0035934, MONDO:0019188.

Allele frequency attached by ClinVar (database versions not stated): gnomAD 0.00001; TOPMed 0.00001.
gnomAD v4.1: 8 of 1,613,976 alleles (0.0005%); highest among the groups gnomAD compares: Admixed American, 0.0017%; no homozygotes.

Submissions (2):

Labcorp Genetics (formerly Invitae), Labcorp
Classification: Uncertain significance for Rubinstein-Taybi syndrome. Last evaluated: 2024-12-12. Review status: criteria provided, single submitter. Criteria: Invitae Variant Classification Sherloc (09022015). Collection method: clinical testing. Allele origin: germline.
Comment: This sequence change replaces arginine, which is basic and polar, with glycine, which is neutral and non-polar, at codon 370 of the CREBBP protein (p.Arg370Gly). This variant is present in population databases (no rsID available, gnomAD 0.0009%). This variant has not been reported in the literature in individuals affected with CREBBP-related conditions. ClinVar contains an entry for this variant (Variation ID: 2578448). Invitae Evidence Modeling of protein sequence and biophysical properties (such as structural, functional, and spatial information, amino acid conservation, physicochemical variation, residue mobility, and thermodynamic stability) indicates that this missense variant is expected to disrupt CREBBP protein function with a positive predictive value of 95%. In summary, the available evidence is currently insufficient to determine the role of this variant in disease. Therefore, it has been classified as a Variant of Uncertain Significance.

Institute of Human Genetics, University of Leipzig Medical Center
Classification: Uncertain significance for Menke-Hennekam syndrome 1. Last evaluated: 2023-04-19. Review status: criteria provided, single submitter. Criteria: ACMG Guidelines, 2015. Collection method: clinical testing. Allele origin: de novo. Inheritance: Autosomal dominant inheritance. Affected: yes.

NM_004380.3(CREBBP):c.1108C>G (p.Arg370Gly)

Gene: CREBBP (CREB binding lysine acetyltransferase; minus strand). Cytogenetic location: 16p13.3.
Variant type: single nucleotide variant.
Coding change: c.1108C>G on transcript NM_004380.3 (MANE Select); coding-DNA position 1108, C replaced by G.
Protein change: p.Arg370Gly; replaces arginine 370 with glycine.
Molecular consequence: missense variant.
Genome position (GRCh38, 1-based): chr16:3,793,494, G>C on the plus strand (C>G on the coding strand, the complement: CREBBP is on the minus strand). VCF-style: chr16-3793494-G-C. GRCh37 (hg19) VCF-style: chr16-3843495-G-C.
Other names: c.1108C>G, p.Arg370Gly (NM_001079846.1); short protein forms R370G.
Identifiers: ClinVar variation 2578448 (VCV002578448.4), dbSNP rs1384496494, ClinGen allele CA394563098.